The following is an entry in ClinVar:

ClinVar aggregate classification (germline): Benign. Review status: criteria provided, multiple submitters, no conflicts (2 of 4 stars). 4 submissions from 4 submitters: Benign (4). Last evaluated 2026-02-04.

Conditions:
Immunodeficiency 60. Also called: IMMUNODEFICIENCY 60 AND AUTOIMMUNITY; IMMUNODEFICIENCY AND AUTOIMMUNITY, BACH2-RELATED. Identifiers: MedGen C5193072, MONDO:0032723, OMIM 618394.

Allele frequency attached by ClinVar (database versions not stated): ExAC 0.27935; TOPMed 0.29643; gnomAD 0.30113 and 0.30275; 1000 Genomes Project 0.31050; ESP Exome Variant Server 0.31293; 1000 Genomes Project 30x 0.31605.
gnomAD v4.1: 455,528 of 1,613,078 alleles (28%); highest among the groups gnomAD compares: African/African-American, 38%; 65,807 homozygotes.

Submissions (4):

Labcorp Genetics (formerly Invitae), Labcorp
Classification: Benign. Last evaluated: 2026-02-04. Review status: criteria provided, single submitter. Criteria: Invitae Variant Classification Sherloc (09022015). Collection method: clinical testing. Allele origin: germline.

Unidad de Genómica Garrahan, Hospital de Pediatría Garrahan
Classification: Benign. Last evaluated: 2023-11-12. Review status: criteria provided, single submitter. Criteria: ACMG Guidelines, 2015. Collection method: clinical testing. Allele origin: germline. Affected: no. Observed: 41 variant alleles.
Comment: This variant is classified as Benign based on local population frequency. This variant was detected in 43% of patients studied by a panel of primary immunodeficiencies. Number of patients: 41. Only high quality variants are reported.

Mayo Clinic Laboratories, Mayo Clinic
Classification: Benign. Last evaluated: 2022-09-06. Review status: criteria provided, single submitter. Criteria: ACMG Guidelines, 2015. Collection method: clinical testing. Allele origin: germline. Observed: 75 variant alleles.

Genome-Nilou Lab
Classification: Benign for Immunodeficiency 60. Last evaluated: 2021-07-14. Review status: criteria provided, single submitter. Criteria: ACMG Guidelines, 2015. Collection method: clinical testing. Allele origin: germline. Affected: no.

NM_021813.4(BACH2):c.1506A>G (p.Val502=)

Gene: BACH2 (BACH transcriptional regulator 2; minus strand). Cytogenetic location: 6q15.
Variant type: single nucleotide variant.
Coding change: c.1506A>G on transcript NM_021813.4 (MANE Select); coding-DNA position 1506, A replaced by G.
Protein change: p.Val502=; no amino-acid change (valine 502 retained).
Molecular consequence: synonymous variant.
Genome position (GRCh38, 1-based): chr6:89,950,600, T>C on the plus strand (A>G on the coding strand, the complement: BACH2 is on the minus strand). VCF-style: chr6-89950600-T-C. GRCh37 (hg19) VCF-style: chr6-90660319-T-C.
Other names: p.Val502=; c.1506A>G, p.Val502= (NM_001170794.2).
Identifiers: ClinVar variation 1164209 (VCV001164209.14), dbSNP rs9451298, ClinGen allele CA3927974.